The following is an entry in ClinVar:

NM_018648.4(NOP10):c.55-11T>C

Gene: NOP10 (NOP10 ribonucleoprotein; minus strand). Cytogenetic location: 15q14.
Variant type: single nucleotide variant.
Coding change: c.55-11T>C on transcript NM_018648.4 (MANE Select); 11 bases into the intron before coding-DNA position 55, T replaced by C.
Molecular consequence: intron variant.
Genome position (GRCh38, 1-based): chr15:34,342,119, A>G on the plus strand (T>C on the coding strand, the complement: NOP10 is on the minus strand). VCF-style: chr15-34342119-A-G. GRCh37 (hg19) VCF-style: chr15-34634320-A-G.
Identifiers: ClinVar variation 436023 (VCV000436023.20), dbSNP rs141981162, ClinGen allele CA7464783.

ClinVar aggregate classification (germline): Benign/Likely benign. Review status: criteria provided, multiple submitters, no conflicts (2 of 4 stars). 6 submissions from 6 submitters: Benign (1); Likely benign (5). Last evaluated 2026-01-20.

Conditions:
Dyskeratosis congenita, autosomal recessive 1. Identifiers: Orphanet 1775, MedGen C1857144, MONDO:0009136, OMIM 224230.

Allele frequency attached by ClinVar (database versions not stated): gnomAD exomes 0.00086; ExAC 0.00109; 1000 Genomes Project 0.00220; ESP Exome Variant Server 0.00246; TOPMed 0.00279; 1000 Genomes Project 30x 0.00281; gnomAD 0.00282 and 0.00304.
gnomAD v4.1: 933 of 1,614,048 alleles (0.058%); highest among the groups gnomAD compares: African/African-American, 0.98%; 5 homozygotes.

Submissions (7):

Labcorp Genetics (formerly Invitae), Labcorp
Classification: Benign for Dyskeratosis congenita, autosomal recessive 1. Last evaluated: 2026-01-20. Review status: criteria provided, single submitter. Criteria: Invitae Variant Classification Sherloc (09022015). Collection method: clinical testing. Allele origin: germline.

Blueprint Genetics
Classification: Likely benign. Last evaluated: 2024-11-13. Review status: criteria provided, single submitter. Criteria: ACMG Guidelines, 2015. Collection method: clinical testing. Allele origin: germline.

GeneDx
Classification: Likely benign. Last evaluated: 2021-03-23. Review status: criteria provided, single submitter. Criteria: GeneDx Variant Classification Process June 2021. Collection method: clinical testing. Allele origin: germline. Affected: yes.

Illumina Laboratory Services, Illumina
Classification: Likely benign for Dyskeratosis congenita, autosomal recessive 1. Last evaluated: 2018-01-13. Review status: criteria provided, single submitter. Criteria: ICSL Variant Classification Criteria 13 December 2019. Collection method: clinical testing. Allele origin: germline.
Comment: This variant was observed in the ICSL laboratory as part of a predisposition screen in an ostensibly healthy population. It had not been previously curated by ICSL or reported in the Human Gene Mutation Database (HGMD: prior to June 1st, 2018), and was therefore a candidate for classification through an automated scoring system. Utilizing variant allele frequency, disease prevalence and penetrance estimates, and inheritance mode, an automated score was calculated to assess if this variant is too frequent to cause the disease. Based on the score and internal cut-off values, a variant classified as likely benign is not then subjected to further curation. The score for this variant resulted in a classification of likely benign for this disease.

Genetic Services Laboratory, University of Chicago
Classification: Likely benign. Last evaluated: 2016-10-28. Review status: criteria provided, single submitter. Criteria: ACMG Guidelines, 2015. Collection method: clinical testing. Allele origin: germline. Affected: no.

Breakthrough Genomics
Classification: Likely benign. Review status: criteria provided, single submitter. Criteria: ACMG Guidelines, 2015. Collection method: not provided. Allele origin: germline. Inheritance: Autosomal recessive inheritance. Affected: yes.

Dr. Peter K. Rogan Lab, Western University
No classification provided (evidence only). Condition: Familial cancer of breast. Review status: no classification provided. Collection method: in vitro. Allele origin: not applicable. Functional consequence: retained intron. Not counted in ClinVar's aggregate classification.